The following is an entry in ClinVar:

NM_000051.4(ATM):c.4236+2T>A

Gene: ATM (ATM serine/threonine kinase; plus strand). Cytogenetic location: 11q22.3.
Variant type: single nucleotide variant.
Coding change: c.4236+2T>A on transcript NM_000051.4 (MANE Select); the canonical splice donor site of the intron after coding-DNA position 4236, T replaced by A.
Molecular consequence: splice donor variant.
Genome position (GRCh38, 1-based): chr11:108,289,105, T>A. VCF-style: chr11-108289105-T-A. GRCh37 (hg19) VCF-style: chr11-108159832-T-A.
Other names: c.4236+2T>A (NM_001351834.2).
Identifiers: ClinVar variation 849148 (VCV000849148.8), dbSNP rs1229926683, ClinGen allele CA382530765.
Genomic context (GRCh38, chr11:108,289,105, plus strand): 5'-TCAGCAATTGTCATAAAACCAAGTTAAAAAGCATTTTAGAAATTCTTTCCAAAAGCCCTG[T>A]AAGTATACATGATGAGTTTAATAATAGAACATTCCTTCTTTTTTAGCTAAAAAAACTTTG-3'

ClinVar aggregate classification (germline): Likely pathogenic (1 of 4 stars; one submission).

Conditions:
Ataxia-telangiectasia syndrome (AT). Also called: Ataxia-telangiectasia, complementation group E; Cerebello-oculocutaneous telangiectasia; Immunodeficiency with ataxia telangiectasia; Ataxia-telangiectasia, complementation group D; AT, COMPLEMENTATION GROUP C; Ataxia-telangiectasia. Identifiers: Orphanet 100, MedGen C0004135, MONDO:0008840, OMIM 208900.

Submission:

Labcorp Genetics (formerly Invitae), Labcorp
Classification: Likely pathogenic for Ataxia-telangiectasia syndrome. Last evaluated: 2019-02-06. Review status: criteria provided, single submitter. Criteria: Invitae Variant Classification Sherloc (09022015). Collection method: clinical testing. Allele origin: germline.
Comment: In summary, the currently available evidence indicates that the variant is pathogenic, but additional data are needed to prove that conclusively. Therefore, this variant has been classified as Likely Pathogenic. Donor and acceptor splice site variants typically lead to a loss of protein function (PMID: 16199547), and loss-of-function variants in ATM are known to be pathogenic (PMID: 23807571, 25614872). This variant has not been reported in the literature in individuals with ATM-related conditions. This variant is not present in population databases (ExAC no frequency). This sequence change affects a donor splice site in intron 28 of the ATM gene. It is expected to disrupt RNA splicing and likely results in an absent or disrupted protein product.

Literature cited by the submitters: PubMed 16199547; PubMed 23807571; PubMed 25614872.